The following is an entry in ClinVar:

ClinVar aggregate classification (germline): Likely benign (1 of 4 stars; one submission).

Conditions:
PLXNA4-related disorder. Also called: PLXNA4-related condition.

gnomAD v4.1: 2 of 1,614,152 alleles (0.00012%); highest among the groups gnomAD compares: Non-Finnish European, 0.00017%; no homozygotes.

Submission:

PreventionGenetics, part of Exact Sciences
Classification: Likely benign for PLXNA4-related condition. Last evaluated: 2024-12-11. Review status: criteria provided, single submitter. Criteria: ACMG Guidelines, 2015. Collection method: clinical testing. Allele origin: germline.
Comment: This variant is classified as likely benign based on ACMG/AMP sequence variant interpretation guidelines (Richards et al. 2015 PMID: 25741868, with internal and published modifications).

NM_020911.2(PLXNA4):c.5019G>A (p.Val1673=)

Gene: PLXNA4 (plexin A4; minus strand). Cytogenetic location: 7q32.3.
Variant type: single nucleotide variant.
Coding change: c.5019G>A on transcript NM_020911.2 (MANE Select); coding-DNA position 5019, G replaced by A.
Protein change: p.Val1673=; no amino-acid change (valine 1673 retained).
Molecular consequence: synonymous variant.
Genome position (GRCh38, 1-based): chr7:132,146,546, C>T on the plus strand (G>A on the coding strand, the complement: PLXNA4 is on the minus strand). VCF-style: chr7-132146546-C-T. GRCh37 (hg19) VCF-style: chr7-131831305-C-T.
Other names: c.5019G>A, p.Val1673= (NM_001393897.1).
Identifiers: ClinVar variation 4988309 (VCV004988309.1).